The following is an entry in ClinVar:

ClinVar aggregate classification (germline): Conflicting classifications of pathogenicity. Review status: criteria provided, conflicting classifications (1 of 4 stars). 3 submissions from 3 submitters: Uncertain significance (1); Likely benign (2). Last evaluated 2026-09-01.

Conditions:
KBG syndrome (KBGS). Also called: ANKRD11-Related KBG Syndrome. Identifiers: Orphanet 2332, MedGen C0220687, MONDO:0007846, OMIM 148050.

Allele frequency attached by ClinVar (database versions not stated): gnomAD 0.00006; ExAC 0.00008; TOPMed 0.00011.
gnomAD v4.1: 42 of 1,613,328 alleles (0.0026%); highest among the groups gnomAD compares: Admixed American, 0.03%; no homozygotes.

Submissions (3):

CeGaT Center for Human Genetics Tuebingen
Classification: Likely benign. Last evaluated: 2026-09-01. Review status: criteria provided, single submitter. Criteria: CeGaT Center For Human Genetics Tuebingen Variant Classification Criteria Version 2. Collection method: clinical testing. Allele origin: germline. Affected: yes. Observed: 1 variant allele.
Comment: ANKRD11: BP5, BS2

Labcorp Genetics (formerly Invitae), Labcorp
Classification: Likely benign for KBG syndrome. Last evaluated: 2026-01-13. Review status: criteria provided, single submitter. Criteria: Invitae Variant Classification Sherloc (09022015). Collection method: clinical testing. Allele origin: germline.

Women's Health and Genetics/Laboratory Corporation of America, LabCorp
Classification: Uncertain significance. Last evaluated: 2025-12-16. Review status: criteria provided, single submitter. Criteria: LabCorp Variant Classification Summary - May 2015. Collection method: clinical testing. Allele origin: germline.
Comment: Variant summary: ANKRD11 c.1373G>A (p.Arg458Gln) results in a conservative amino acid change in the encoded protein sequence. Algorithms developed to predict the effect of missense changes on protein structure and function are either unavailable or do not agree on the potential impact of this missense change. The variant allele was found at a frequency of 7.3e-05 in 247338 control chromosomes. This frequency is not significantly higher than estimated for disease-causing variants in ANKRD11, allowing no conclusion about variant significance. To our knowledge, no occurrence of c.1373G>A in individuals affected with ANKRD11-related conditions and no experimental evidence demonstrating its impact on protein function have been reported. ClinVar contains an entry for this variant (Variation ID: 2034501). Based on the evidence outlined above, the variant was classified as uncertain significance.

NM_013275.6(ANKRD11):c.1373G>A (p.Arg458Gln)

Gene: ANKRD11 (ankyrin repeat domain 11; minus strand). Cytogenetic location: 16q24.3.
Variant type: single nucleotide variant.
Coding change: c.1373G>A on transcript NM_013275.6 (MANE Select); coding-DNA position 1373, G replaced by A.
Protein change: p.Arg458Gln; replaces arginine 458 with glutamine.
Molecular consequence: missense variant.
Genome position (GRCh38, 1-based): chr16:89,285,169, C>T on the plus strand (G>A on the coding strand, the complement: ANKRD11 is on the minus strand). VCF-style: chr16-89285169-C-T. GRCh37 (hg19) VCF-style: chr16-89351577-C-T.
Other names: c.1373G>A, p.Arg458Gln (NM_001256182.2, NM_001256183.2); short protein forms R458Q.
Identifiers: ClinVar variation 2034501 (VCV002034501.6), dbSNP rs778960311, ClinGen allele CA8242794.